The following is an entry in ClinVar:

NM_024675.4(PALB2):c.2609T>C (p.Val870Ala)

Gene: PALB2 (partner and localizer of BRCA2; minus strand). Cytogenetic location: 16p12.2.
Variant type: single nucleotide variant.
Coding change: c.2609T>C on transcript NM_024675.4 (MANE Select); coding-DNA position 2609, T replaced by C.
Protein change: p.Val870Ala; replaces valine 870 with alanine.
Molecular consequence: missense variant.
Genome position (GRCh38, 1-based): chr16:23,626,375, A>G on the plus strand (T>C on the coding strand, the complement: PALB2 is on the minus strand). VCF-style: chr16-23626375-A-G. GRCh37 (hg19) VCF-style: chr16-23637696-A-G.
Other names: short protein forms V870A.
Identifiers: ClinVar variation 232522 (VCV000232522.18), dbSNP rs876659819, ClinGen allele CA10579961.
Genomic context (GRCh38, chr16:23,626,375, plus strand): 5'-GCAGTTATGATACATGGCTCTTTACAACCGGCTCTTTCCCAAAACATGGCACTCACATCT[A>G]CGGAACAGGAACCTGAAGGATTCTGACACAATGGCAACAGTTCTGTTAAAGTGGCACTCG-3'
Protein context (NP_078951.2, residues 860-880): ELKNPSGSCS[Val870Ala]DVSAMFWERA

ClinVar aggregate classification (germline): Uncertain significance. Review status: criteria provided, multiple submitters, no conflicts (2 of 4 stars). 4 submissions from 4 submitters: Uncertain significance (4). Last evaluated 2025-09-10.

Conditions:
Hereditary cancer-predisposing syndrome. Also called: Neoplastic Syndromes, Hereditary; Tumor predisposition; Hereditary Cancer Syndrome; Hereditary neoplastic syndrome. Identifiers: Orphanet 140162, MedGen C0027672, MeSH D009386, MONDO:0015356.
Familial cancer of breast. Also called: BREAST CANCER, FAMILIAL; hereditary breast carcinoma; Hereditary breast cancer. Identifiers: Orphanet 227535, MedGen C0346153, MONDO:0016419, OMIM 114480. Disease mechanism: loss of function.

Submissions (4):

Ambry Genetics
Classification: Uncertain significance for Hereditary cancer-predisposing syndrome. Last evaluated: 2025-09-10. Review status: criteria provided, single submitter. Criteria: Ambry Variant Classification Scheme 2023. Collection method: clinical testing. Allele origin: germline.
Comment: The p.V870A variant (also known as c.2609T>C), located in coding exon 7 of the PALB2 gene, results from a T to C substitution at nucleotide position 2609. The valine at codon 870 is replaced by alanine, an amino acid with similar properties. This amino acid position is well conserved in available vertebrate species. In addition, the in silico prediction for this alteration is inconclusive. Based on the available evidence, the clinical significance of this variant remains unclear.

Labcorp Genetics (formerly Invitae), Labcorp
Classification: Uncertain significance for Familial cancer of breast. Last evaluated: 2025-07-31. Review status: criteria provided, single submitter. Criteria: Invitae Variant Classification Sherloc (09022015). Collection method: clinical testing. Allele origin: germline.
Comment: This sequence change replaces valine, which is neutral and non-polar, with alanine, which is neutral and non-polar, at codon 870 of the PALB2 protein (p.Val870Ala). This variant is not present in population databases (gnomAD no frequency). This variant has not been reported in the literature in individuals affected with PALB2-related conditions. ClinVar contains an entry for this variant (Variation ID: 232522). Invitae Evidence Modeling of protein sequence and biophysical properties (such as structural, functional, and spatial information, amino acid conservation, physicochemical variation, residue mobility, and thermodynamic stability) indicates that this missense variant is expected to disrupt PALB2 protein function with a positive predictive value of 80%. In summary, the available evidence is currently insufficient to determine the role of this variant in disease. Therefore, it has been classified as a Variant of Uncertain Significance.

Color Diagnostics, LLC DBA Color Health
Classification: Uncertain significance for Hereditary cancer-predisposing syndrome. Last evaluated: 2024-03-06. Review status: criteria provided, single submitter. Criteria: ACMG Guidelines, 2015. Collection method: clinical testing. Allele origin: germline.
Comment: This missense variant replaces valine with alanine at codon 870 of the PALB2 protein. Computational prediction suggests that this variant may not impact protein structure and function (internally defined REVEL score threshold <= 0.5, PMID: 27666373). To our knowledge, functional studies have not been reported for this variant. This variant has not been reported in individuals affected with hereditary cancer in the literature. This variant has not been identified in the general population by the Genome Aggregation Database (gnomAD). The available evidence is insufficient to determine the role of this variant in disease conclusively. Therefore, this variant is classified as a Variant of Uncertain Significance.

GeneDx
Classification: Uncertain significance. Last evaluated: 2015-07-21. Review status: criteria provided, single submitter. Criteria: GeneDx Variant Classification (06012015). Collection method: clinical testing. Allele origin: germline. Affected: yes.
Comment: This variant is denoted PALB2 c.2609T>C at the cDNA level, p.Val870Ala (V870A) at the protein level, and results in the change of a Valine to an Alanine (GTA>GCA). This variant has not, to our knowledge, been published in the literature as pathogenic or benign. PALB2 Val870Ala was not observed in approximately 6,500 individuals of European and African American ancestry in the NHLBI Exome Sequencing Project, indicating it is not a common benign variant in these populations. Since Valine and Alanine share similar properties, this is considered a conservative amino acid substitution. PALB2 Val870Ala occurs at a position that is conserved across species and is located in the WD-1 repeat domain and the region required for POLH DNA synthesis and interaction with RAD51, BRCA2 and POLH (Uniprot). In silico analyses predict that this variant is probably damaging to protein structure and function. Based on currently available information, it is unclear whether PALB2 Val870Ala is pathogenic or benign. We consider it to be a variant of uncertain significance.